The following is an entry in ClinVar:

ClinVar aggregate classification (germline): Uncertain significance. Review status: criteria provided, multiple submitters, no conflicts (2 of 4 stars). 5 submissions from 5 submitters: Uncertain significance (5). Last evaluated 2026-07-01.

Conditions:
Cardiovascular phenotype. Identifiers: MedGen CN230736.
Dyspnea. Also called: dyspnoea. Identifiers: MedGen C0013404, HP:0002094.
Breathing dysregulation. Also called: breathing difficulty. Identifiers: MedGen C3808046, HP:0005957.
Hypotonia. Also called: Muscular hypotonia; poor muscle tone. Identifiers: MedGen C0026827, HP:0001252.
Neonatal breathing dysregulation. Identifiers: MedGen C3806216, HP:0002790.
Abnormal pattern of respiration. Identifiers: MedGen C1837388, HP:0002793.
Myoclonus. Also called: Involuntary jerking movements; Myoclonic jerks. Identifiers: MedGen C0027066, HP:0001336.
Cyanosis. Identifiers: MedGen C0010520, HP:0000961.
Ehlers-Danlos syndrome due to tenascin-X deficiency (EDSCLL1). Also called: EHLERS-DANLOS SYNDROME, CLASSIC-LIKE; Ehlers-Danlos syndrome, classic-like, 1; TNX DEFICIENCY; EDS DUE TO TNX DEFICIENCY; TNXB-Related Classical-Like Ehlers-Danlos Syndrome. Identifiers: Orphanet 230839, MedGen C1848029, MONDO:0011670, OMIM 606408.

Allele frequency attached by ClinVar (database versions not stated): ExAC 0.00001; gnomAD 0.00001; gnomAD exomes 0.00001; TOPMed 0.00001.
gnomAD v4.1: 7 of 1,608,384 alleles (0.00044%); highest among the groups gnomAD compares: Non-Finnish European, 0.00059%; no homozygotes.

Submissions (5):

CeGaT Center for Human Genetics Tuebingen
Classification: Uncertain significance. Last evaluated: 2026-07-01. Review status: criteria provided, single submitter. Criteria: CeGaT Center For Human Genetics Tuebingen Variant Classification Criteria Version 2. Collection method: clinical testing. Allele origin: germline. Affected: yes. Observed: 1 variant allele.
Comment: TNXB: PM2

Institute of Human Genetics, Cologne University
Classification: Uncertain significance for Ehlers-Danlos syndrome due to tenascin-X deficiency. Last evaluated: 2025-01-29. Review status: criteria provided, single submitter. Criteria: ACMG Guidelines, 2015. Collection method: clinical testing. Allele origin: germline.

Ambry Genetics
Classification: Uncertain significance for Cardiovascular phenotype. Last evaluated: 2024-06-16. Review status: criteria provided, single submitter. Criteria: Ambry Variant Classification Scheme 2023. Collection method: clinical testing. Allele origin: germline.

GeneDx
Classification: Uncertain significance. Last evaluated: 2023-03-10. Review status: criteria provided, single submitter. Criteria: GeneDx Variant Classification Process June 2021. Collection method: clinical testing. Allele origin: germline. Affected: yes.
Comment: Not observed at significant frequency in large population cohorts (gnomAD); In silico analysis supports that this missense variant does not alter protein structure/function; Has not been previously published as pathogenic or benign to our knowledge

Centre for Mendelian Genomics, University Medical Centre Ljubljana
Classification: Uncertain significance for Abnormal pattern of respiration; Breathing dysregulation; Cyanosis; Dyspnea; Hypotonia; Myoclonus; Neonatal breathing dysregulation. Last evaluated: 2017-01-01. Review status: criteria provided, single submitter. Criteria: ACMG Guidelines, 2015. Collection method: clinical testing. Allele origin: unknown. Affected: yes.

NM_001365276.2(TNXB):c.5052C>A (p.Asp1684Glu)

Gene: TNXB (tenascin XB; minus strand). Cytogenetic location: 6p21.33.
Variant type: single nucleotide variant.
Coding change: c.5052C>A on transcript NM_001365276.2 (MANE Select); coding-DNA position 5052, C replaced by A.
Protein change: p.Asp1684Glu; replaces aspartic acid 1684 with glutamic acid.
Molecular consequence: missense variant.
Genome position (GRCh38, 1-based): chr6:32,070,353, G>T on the plus strand (C>A on the coding strand, the complement: TNXB is on the minus strand). VCF-style: chr6-32070353-G-T. GRCh37 (hg19) VCF-style: chr6-32038130-G-T.
Other names: c.5052C>A, p.Asp1684Glu (NM_019105.8); short protein forms D1684E.
Identifiers: ClinVar variation 523525 (VCV000523525.6), dbSNP rs776883744, ClinGen allele CA3734800.